The following is an entry in ClinVar:

ClinVar aggregate classification (germline): Likely pathogenic (1 of 4 stars; one submission).

Conditions:
Glycogen storage disease IV, classic hepatic. Also called: GSD IV, CLASSIC HEPATIC. Identifiers: MedGen C1856301.
Glycogen storage disease, type IV (GSD4). Also called: AMYLOPECTINOSIS; ANDERSEN DISEASE; BRANCHER DEFICIENCY; CIRRHOSIS, FAMILIAL, WITH DEPOSITION OF ABNORMAL GLYCOGEN; GBE1 DEFICIENCY; GLYCOGEN BRANCHING ENZYME DEFICIENCY. Identifiers: Orphanet 367, MedGen C0017923, MONDO:0009292, OMIM 232500.

Submission:

Labcorp Genetics (formerly Invitae), Labcorp
Classification: Likely pathogenic for Glycogen storage disease, type IV; Glycogen storage disease IV, classic hepatic. Last evaluated: 2022-12-17. Review status: criteria provided, single submitter. Criteria: Invitae Variant Classification Sherloc (09022015). Collection method: clinical testing. Allele origin: unknown.
Comment: In summary, the currently available evidence indicates that the variant is pathogenic, but additional data are needed to prove that conclusively. Therefore, this variant has been classified as Likely Pathogenic. This variant has not been reported in the literature in individuals affected with GBE1-related conditions. This variant results in a copy number gain of the genomic region encompassing exon(s) 9-10 of the GBE1 gene. While the exact position of this variant cannot be determined from the data, sub-genic copy number gains are generally in tandem (PMID: 25640679). This variant is predicted to be out-of-frame, and may result in an absent or disrupted protein product. Loss-of-function variants in GBE1 are known to be pathogenic (PMID: 15452297, 20058079).

Literature cited by the submitters: PubMed 25640679; PubMed 15452297; PubMed 20058079.

NC_000003.11:g.(?_81635223)_(81640335_?)dup

Gene: GBE1 (1,4-alpha-glucan branching enzyme 1; minus strand). Cytogenetic location: 3p12.2.
Variant type: Duplication.
Identifiers: ClinVar variation 3246832 (VCV003246832.1).